The following is an entry in ClinVar:

ClinVar aggregate classification (germline): Likely benign (0 of 4 stars; one submission).

Conditions:
SEMA6D-related disorder. Also called: SEMA6D-related condition.

Allele frequency attached by ClinVar (database versions not stated): gnomAD exomes below 0.00001; gnomAD 0.00001; TOPMed 0.00001.
gnomAD v4.1: 3 of 1,613,930 alleles (0.00019%); highest among the groups gnomAD compares: Non-Finnish European, 0.00025%; no homozygotes.

Submission:

PreventionGenetics, part of Exact Sciences
Classification: Likely benign for SEMA6D-related condition. Last evaluated: 2019-08-14. Review status: no assertion criteria provided. Collection method: clinical testing. Allele origin: germline.
Comment: This variant is classified as likely benign based on ACMG/AMP sequence variant interpretation guidelines (Richards et al. 2015 PMID: 25741868, with internal and published modifications).

NM_001358351.3(SEMA6D):c.3132G>A (p.Arg1044=)

Gene: SEMA6D (semaphorin 6D; plus strand). Cytogenetic location: 15q21.1.
Variant type: single nucleotide variant.
Coding change: c.3132G>A on transcript NM_001358351.3 (MANE Select); coding-DNA position 3132, G replaced by A.
Protein change: p.Arg1044=; no amino-acid change (arginine 1044 retained).
Molecular consequence: synonymous variant. On other transcripts: 3 prime UTR variant (1).
Genome position (GRCh38, 1-based): chr15:47,771,695, G>A. VCF-style: chr15-47771695-G-A. GRCh37 (hg19) VCF-style: chr15-48063892-G-A.
Other names: c.2946G>A, p.Arg982= (NM_001198999.2, NM_020858.2); c.3171G>A, p.Arg1057= (NM_001358352.2); c.2907G>A, p.Arg969= (NM_153616.2); c.2964G>A, p.Arg988= (NM_153617.2); c.3132G>A, p.Arg1044= (NM_153618.2); c.*1148G>A (NM_153619.1).
Identifiers: ClinVar variation 3052979 (VCV003052979.2), dbSNP rs2082637811, ClinGen allele CA490118573.